The following is an entry in ClinVar:

ClinVar aggregate classification (germline): Benign (1 of 4 stars; one submission).

Conditions:
Fanconi-Bickel syndrome (FBS). Also called: HEPATIC GLYCOGENOSIS WITH FANCONI NEPHROPATHY; HEPATORENAL GLYCOGENOSIS WITH RENAL FANCONI SYNDROME; PSEUDO-PHLORIZIN DIABETES; Glycogen storage disease due to GLUT2 deficiency; FANCONI SYNDROME WITH INTESTINAL MALABSORPTION AND GALACTOSE INTOLERANCE; HEPATIC GLYCOGENOSIS WITH AMINO ACIDURIA AND GLUCOSURIA. Identifiers: Orphanet 2088, MedGen C3495427, MONDO:0009216, OMIM 227810.

Allele frequency attached by ClinVar (database versions not stated): TOPMed 0.01385; 1000 Genomes Project 0.01498; 1000 Genomes Project 30x 0.01624.

Submission:

Illumina Laboratory Services, Illumina
Classification: Benign for Fanconi-Bickel syndrome. Last evaluated: 2018-01-12. Review status: criteria provided, single submitter. Criteria: ICSL Variant Classification Criteria 13 December 2019. Collection method: clinical testing. Allele origin: germline.
Comment: This variant was observed in the ICSL laboratory as part of a predisposition screen in an ostensibly healthy population. It had not been previously curated by ICSL or reported in the Human Gene Mutation Database (HGMD: prior to June 1st, 2018), and was therefore a candidate for classification through an automated scoring system. Utilizing variant allele frequency, disease prevalence and penetrance estimates, and inheritance mode, an automated score was calculated to assess if this variant is too frequent to cause the disease. Based on the score and internal cut-off values, a variant classified as benign is not then subjected to further curation. The score for this variant resulted in a classification of benign for this disease.

NM_000340.2(SLC2A2):c.*725G>C

Gene: SLC2A2 (solute carrier family 2 member 2; minus strand). Cytogenetic location: 3q26.2.
Variant type: single nucleotide variant.
Coding change: c.*725G>C on transcript NM_000340.2 (MANE Select); 725 bases downstream of the stop codon, G replaced by C.
Molecular consequence: 3 prime UTR variant.
Genome position (GRCh38, 1-based): chr3:170,997,178, C>G on the plus strand (G>C on the coding strand, the complement: SLC2A2 is on the minus strand). VCF-style: chr3-170997178-C-G. GRCh37 (hg19) VCF-style: chr3-170714967-C-G.
Other names: c.*725G>C (NM_001278658.2, NM_001278659.2).
Identifiers: ClinVar variation 344146 (VCV000344146.5), dbSNP rs79770697, ClinGen allele CA10617984.
Genomic context (GRCh38, chr3:170,997,178, plus strand): 5'-TTGTACCAGAAGGGAATCAACATGGTTTTATAATAGATGTTAATGTTAACTGATAACCCA[C>G]GCTATATGATCAGGTGAAACCTTTTTAGTGTTAAATCTTGCAAAAACCATTTGGCCATTA-3'